The following is an entry in ClinVar:

ClinVar aggregate classification (germline): Pathogenic (1 of 4 stars; one submission).

Conditions:
Ehlers-Danlos syndrome, type 4 (EDSVASC). Also called: Ehlers-Danlos syndrome vascular type; Ehlers Danlos syndrome, ecchymotic type; Ehlers Danlos syndrome, arterial type; Ehlers Danlos syndrome, Sack-Barabas type; Ehlers-Danlos Syndrome Type IV. Identifiers: Orphanet 286, MedGen C0268338, MONDO:0017314, OMIM 130050.

Submission:

Labcorp Genetics (formerly Invitae), Labcorp
Classification: Pathogenic for Ehlers-Danlos syndrome, type 4. Last evaluated: 2023-09-11. Review status: criteria provided, single submitter. Criteria: Invitae Variant Classification Sherloc (09022015). Collection method: clinical testing. Allele origin: germline.
Comment: ClinVar contains an entry for this variant (Variation ID: 1066527). Algorithms developed to predict the effect of sequence changes on RNA splicing suggest that this variant may disrupt the consensus splice site. For these reasons, this variant has been classified as Pathogenic. This sequence change affects a splice site in intron 13 of the COL3A1 gene. It is expected to disrupt RNA splicing. Variants that disrupt the donor or acceptor splice site typically lead to a loss of protein function (PMID: 16199547), and loss-of-function variants in COL3A1 are known to be pathogenic (PMID: 24922459). This variant is not present in population databases (gnomAD no frequency). Disruption of this splice site has been observed in individual(s) with clinical features of Ehlers-Danlos syndrome (Invitae). In at least one individual the variant was observed to be de novo.

Literature cited by the submitters: PubMed 16199547; PubMed 24922459.

NM_000090.4(COL3A1):c.952-2del

Gene: COL3A1 (collagen type III alpha 1 chain; plus strand). Cytogenetic location: 2q32.2.
Variant type: Deletion.
Coding change: c.952-2del on transcript NM_000090.4 (MANE Select); the canonical splice acceptor site of the intron before coding-DNA position 952, one base deleted (A; older notation c.952-2delA).
Molecular consequence: splice acceptor variant.
Genome position (GRCh38, 1-based): chr2:188,992,182, A deleted. VCF-style (leftmost placement, unchanged base first): chr2-188992181-TA-T. GRCh37 (hg19) VCF-style: chr2-189856907-TA-T.
Identifiers: ClinVar variation 1066527 (VCV001066527.9), dbSNP rs2153502163, ClinGen allele CA2499215529.